The following is an entry in ClinVar:

ClinVar aggregate classification (germline): Uncertain significance (1 of 4 stars; one submission).

Conditions:
Autosomal dominant nonsyndromic hearing loss 11. Identifiers: Orphanet 90635, MedGen C1832475, MONDO:0011032, OMIM 601317.

gnomAD v4.1: 2 of 1,608,854 alleles (0.00012%); highest among the groups gnomAD compares: Non-Finnish European, 0.00017%; no homozygotes.

Submission:

MVZ Medizinische Genetik Mainz
Classification: Uncertain significance for Autosomal dominant nonsyndromic hearing loss 11. Last evaluated: 2023-09-14. Review status: criteria provided, single submitter. Criteria: UK Practice Guidelines For Variant Classification V4 01 2020. Collection method: clinical testing. Allele origin: germline. Inheritance: Autosomal dominant inheritance. Affected: yes. Observed: 1 variant allele.
Comment: ACMG Criteria: PM2_SUP,PP3

NM_000260.4(MYO7A):c.829G>C (p.Asp277His)

Gene: MYO7A (myosin VIIA; plus strand). Cytogenetic location: 11q13.5.
Variant type: single nucleotide variant.
Coding change: c.829G>C on transcript NM_000260.4 (MANE Select); coding-DNA position 829, G replaced by C.
Protein change: p.Asp277His; replaces aspartic acid 277 with histidine.
Molecular consequence: missense variant.
Genome position (GRCh38, 1-based): chr11:77,157,372, G>C. VCF-style: chr11-77157372-G-C. GRCh37 (hg19) VCF-style: chr11-76868418-G-C.
Other names: c.829G>C, p.Asp277His (NM_001127180.2); c.796G>C, p.Asp266His (NM_001369365.1); short protein forms D266H, D277H.
Identifiers: ClinVar variation 4526514 (VCV004526514.1).